The following is an entry in ClinVar:

ClinVar aggregate classification (germline): Likely benign (1 of 4 stars; one submission).

Allele frequency attached by ClinVar (database versions not stated): gnomAD exomes below 0.00001; ExAC 0.00001; gnomAD 0.00001; 1000 Genomes Project 30x 0.00016.
gnomAD v4.1: 3 of 1,602,044 alleles (0.00019%); highest among the groups gnomAD compares: East Asian, 0.0067%; no homozygotes.

Submission:

GeneDx
Classification: Likely benign. Last evaluated: 2017-06-02. Review status: criteria provided, single submitter. Criteria: GeneDx Variant Classification (06012015). Collection method: clinical testing. Allele origin: germline. Affected: yes.
Comment: This variant is considered likely benign or benign based on one or more of the following criteria: it is a conservative change, it occurs at a poorly conserved position in the protein, it is predicted to be benign by multiple in silico algorithms, and/or has population frequency not consistent with disease.

NM_198488.5(FAM83H):c.1443G>A (p.Ala481=)

Gene: FAM83H (family with sequence similarity 83 member H; minus strand). Cytogenetic location: 8q24.3.
Variant type: single nucleotide variant.
Coding change: c.1443G>A on transcript NM_198488.5 (MANE Select); coding-DNA position 1443, G replaced by A.
Protein change: p.Ala481=; no amino-acid change (alanine 481 retained).
Molecular consequence: synonymous variant.
Genome position (GRCh38, 1-based): chr8:143,728,018, C>T on the plus strand (G>A on the coding strand, the complement: FAM83H is on the minus strand). VCF-style: chr8-143728018-C-T. GRCh37 (hg19) VCF-style: chr8-144810188-C-T.
Identifiers: ClinVar variation 509717 (VCV000509717.1), dbSNP rs782579656, ClinGen allele CA4917423.
Genomic context (GRCh38, chr8:143,728,018, plus strand): 5'-TCCGAGCTCCGGGAAGCGGGGCCCGGCGCCCAGGGTGAAGTCATCCGGGTCCGCGAAACC[C>T]GCGCGGCCCCCGCGAAGCTTCTCGAACAGGCCTTGCGGGCGCGCCGGCGTGAGCTGCGGG-3'
Protein context (NP_940890.4, residues 471-491): GLFEKLRGGR[Ala481=]GFADPDDFTL